The following is an entry in ClinVar:

NM_001134707.2(SARDH):c.915+4350C>T

Gene: SARDH (sarcosine dehydrogenase; minus strand). Cytogenetic location: 9q34.2.
Variant type: single nucleotide variant.
Coding change: c.915+4350C>T on transcript NM_001134707.2 (MANE Select); 4350 bases into the intron after coding-DNA position 915, C replaced by T.
Molecular consequence: intron variant.
Genome position (GRCh38, 1-based): chr9:133,725,415, G>A on the plus strand (C>T on the coding strand, the complement: SARDH is on the minus strand). VCF-style: chr9-133725415-G-A. GRCh37 (hg19) VCF-style: chr9-136590537-G-A.
Other names: c.915+4350C>T (NM_007101.4).
Identifiers: ClinVar variation 4083996 (VCV004083996.8).

ClinVar aggregate classification (germline): Likely benign (1 of 4 stars; one submission).

gnomAD v4.1: 1,968 of 321,216 alleles (0.61%); highest among the groups gnomAD compares: Non-Finnish European, 0.93%; 10 homozygotes.

Submission:

CeGaT Center for Human Genetics Tuebingen
Classification: Likely benign. Last evaluated: 2025-06-01. Review status: criteria provided, single submitter. Criteria: CeGaT Center For Human Genetics Tuebingen Variant Classification Criteria Version 2. Collection method: clinical testing. Allele origin: germline. Affected: yes. Observed: 1 variant allele.
Comment: SARDH: BP4, BS2